The following is an entry in ClinVar:

ClinVar aggregate classification (germline): Uncertain significance (1 of 4 stars; one submission).

Submission:

GeneDx
Classification: Uncertain significance. Last evaluated: 2022-04-28. Review status: criteria provided, single submitter. Criteria: GeneDx Variant Classification Process June 2021. Collection method: clinical testing. Allele origin: germline. Affected: yes.
Comment: Not observed at significant frequency in large population cohorts (gnomAD); Occurs in the triple helical domain at the Y position in the canonical Gly-X-Y repeat; although this variant may have an effect on normal protein folding and function, missense substitution at the Y position is not a common mechanism of disease (Symoens et al., 2012; Stenson et al., 2014); In silico analysis supports that this missense variant has a deleterious effect on protein structure/function; Has not been previously published as pathogenic or benign to our knowledge

NM_000093.5(COL5A1):c.2807C>G (p.Ser936Cys)

Gene: COL5A1 (collagen type V alpha 1 chain; plus strand). Cytogenetic location: 9q34.3.
Variant type: single nucleotide variant.
Coding change: c.2807C>G on transcript NM_000093.5 (MANE Select); coding-DNA position 2807, C replaced by G.
Protein change: p.Ser936Cys; replaces serine 936 with cysteine.
Molecular consequence: missense variant.
Genome position (GRCh38, 1-based): chr9:134,796,381, C>G. VCF-style: chr9-134796381-C-G. GRCh37 (hg19) VCF-style: chr9-137688227-C-G.
Other names: c.2807C>G, p.Ser936Cys (NM_001278074.1); short protein forms S936C.
Identifiers: ClinVar variation 1712696 (VCV001712696.2), dbSNP rs2490765933, ClinGen allele CA375456927.